The following is an entry in ClinVar:

ClinVar aggregate classification (germline): Likely benign (0 of 4 stars; one submission).

Conditions:
SPTBN5-related disorder. Also called: SPTBN5-related condition.

Allele frequency attached by ClinVar (database versions not stated): 1000 Genomes Project 30x 0.00016; ESP Exome Variant Server 0.00016; 1000 Genomes Project 0.00020; gnomAD 0.00028; gnomAD exomes 0.00030; TOPMed 0.00043; ExAC 0.00075.

Submission:

PreventionGenetics, part of Exact Sciences
Classification: Likely benign for SPTBN5-related condition. Last evaluated: 2019-09-19. Review status: no assertion criteria provided. Collection method: clinical testing. Allele origin: germline.
Comment: This variant is classified as likely benign based on ACMG/AMP sequence variant interpretation guidelines (Richards et al. 2015 PMID: 25741868, with internal and published modifications).

NM_016642.4(SPTBN5):c.7323C>A (p.Leu2441=)

Gene: SPTBN5 (spectrin beta, non-erythrocytic 5; minus strand). Cytogenetic location: 15q15.1.
Variant type: single nucleotide variant.
Coding change: c.7323C>A on transcript NM_016642.4 (MANE Select); coding-DNA position 7323, C replaced by A.
Protein change: p.Leu2441=; no amino-acid change (leucine 2441 retained).
Molecular consequence: synonymous variant.
Genome position (GRCh38, 1-based): chr15:41,862,601, G>T on the plus strand (C>A on the coding strand, the complement: SPTBN5 is on the minus strand). VCF-style: chr15-41862601-G-T. GRCh37 (hg19) VCF-style: chr15-42154799-G-T.
Identifiers: ClinVar variation 3040044 (VCV003040044.2), dbSNP rs368375132, ClinGen allele CA7502275.